The following is an entry in ClinVar:

ClinVar aggregate classification (germline): Conflicting classifications of pathogenicity. Review status: criteria provided, conflicting classifications (1 of 4 stars). 9 submissions from 9 submitters: Uncertain significance (1); Benign (3); Likely benign (4). 1 of the submissions does not count toward it. Last evaluated 2026-01-29.

Conditions:
ABCG5-related disorder. Also called: ABCG5-related condition.
Cardiovascular phenotype. Identifiers: MedGen CN230736.
Sitosterolemia 1. Identifiers: MedGen C2749759, MONDO:0020747, OMIM 210250.
Sitosterolemia (STSL). Also called: PHYTOSTEROLEMIA. Identifiers: Orphanet 2882, MedGen C0342907, MONDO:0008863.
Sitosterolemia 2. Identifiers: MedGen C5231453, MONDO:0020748, OMIM 618666.

Allele frequency attached by ClinVar (database versions not stated): TOPMed 0.00248; ESP Exome Variant Server 0.00339; 1000 Genomes Project 0.00419; 1000 Genomes Project 30x 0.00484.
gnomAD v4.1: 838 of 1,602,510 alleles (0.052%); highest among the groups gnomAD compares: African/African-American, 0.89%; 1 homozygote.

Submissions (9):

Labcorp Genetics (formerly Invitae), Labcorp
Classification: Benign for Sitosterolemia. Last evaluated: 2026-01-29. Review status: criteria provided, single submitter. Criteria: Invitae Variant Classification Sherloc (09022015). Collection method: clinical testing. Allele origin: germline.

Mayo Clinic Laboratories, Mayo Clinic
Classification: Likely benign. Last evaluated: 2024-12-12. Review status: criteria provided, single submitter. Criteria: ACMG Guidelines, 2015. Collection method: clinical testing. Allele origin: germline. Observed: 6 variant alleles.
Comment: BS1

Blueprint Genetics
Classification: Likely benign. Last evaluated: 2024-07-04. Review status: criteria provided, single submitter. Criteria: ACMG Guidelines, 2015. Collection method: clinical testing. Allele origin: germline.

Women's Health and Genetics/Laboratory Corporation of America, LabCorp
Classification: Likely benign. Last evaluated: 2023-08-15. Review status: criteria provided, single submitter. Criteria: LabCorp Variant Classification Summary - May 2015. Collection method: clinical testing. Allele origin: germline.
Comment: Variant summary: ABCG5 c.139G>T (p.Val47Phe) results in a non-conservative amino acid change in the encoded protein sequence. Four of five in-silico tools predict a damaging effect of the variant on protein function. The variant allele was found at a frequency of 0.00077 in 226908 control chromosomes, predominantly at a frequency of 0.011 within the African or African-American subpopulation in the gnomAD database. The observed variant frequency within African or African-American control individuals in the gnomAD database is approximately 2.2 fold of the estimated maximal expected allele frequency for a pathogenic variant in ABCG5 causing Early Onset Coronary Artery Disease phenotype (0.005), strongly suggesting that the variant is a benign polymorphism found primarily in populations of African or African-American origin. c.139G>T has been reported in the literature in individuals affected with familial hypercholesterolemia, without strong evidence for causality (Reeskamp_2020). This report does not provide unequivocal conclusions about association of the variant with Early Onset Coronary Artery Disease. To our knowledge, no experimental evidence demonstrating an impact on protein function has been reported. The following publication have been ascertained in the context of this evaluation (PMID: 32088153). Five submitters have cited clinical-significance assessments for this variant to ClinVar after 2014. Multiple submitters reported the variant with conflicting assessments: three submitters have classified the variant likely benign/benign while two have classified the variant as VUS. Based on the evidence outlined above, the variant was classified as likely benign.

Ambry Genetics
Classification: Likely benign for Cardiovascular phenotype. Last evaluated: 2023-04-05. Review status: criteria provided, single submitter. Criteria: Ambry Variant Classification Scheme 2023. Collection method: clinical testing. Allele origin: germline.

New York Genome Center
Classification: Uncertain significance for Sitosterolemia 2. Last evaluated: 2022-01-14. Review status: criteria provided, single submitter. Criteria: NYGC Assertion Criteria 2020. Collection method: clinical testing. Allele origin: germline. Observed: 1 heterozygote.

Illumina Laboratory Services, Illumina
Classification: Benign for Sitosterolemia 1. Last evaluated: 2017-04-28. Review status: criteria provided, single submitter. Criteria: ICSL Variant Classification Criteria 13 December 2019. Collection method: clinical testing. Allele origin: germline.
Comment: This variant was observed as part of a predisposition screen in an ostensibly healthy population. A literature search was performed for the gene, cDNA change, and amino acid change (where applicable). No publications were found based on this search. Allele frequency data from public databases was too high to be consistent with this variant causing disease. Therefore, this variant is classified as benign.

Breakthrough Genomics
Classification: Benign. Review status: criteria provided, single submitter. Criteria: ACMG Guidelines, 2015. Collection method: not provided. Allele origin: germline. Inheritance: Autosomal recessive inheritance. Affected: yes.

PreventionGenetics, part of Exact Sciences
Classification: Benign for ABCG5-related condition. Last evaluated: 2021-06-15. Review status: no assertion criteria provided. Collection method: clinical testing. Allele origin: germline. Not counted in ClinVar's aggregate classification.
Comment: This variant is classified as benign based on ACMG/AMP sequence variant interpretation guidelines (Richards et al. 2015 PMID: 25741868, with internal and published modifications).

Literature cited by the submitters: PubMed 20849526 (cited by Mayo Clinic Laboratories, Mayo Clinic); PubMed 32088153 (cited by Mayo Clinic Laboratories, Mayo Clinic and Women's Health and Genetics/Laboratory Corporation of America, LabCorp).

NM_022436.3(ABCG5):c.139G>T (p.Val47Phe)

Gene: ABCG5 (ATP binding cassette subfamily G member 5; minus strand). Cytogenetic location: 2p21.
Variant type: single nucleotide variant.
Coding change: c.139G>T on transcript NM_022436.3 (MANE Select); coding-DNA position 139, G replaced by T.
Protein change: p.Val47Phe; replaces valine 47 with phenylalanine.
Molecular consequence: missense variant.
Genome position (GRCh38, 1-based): chr2:43,838,541, C>A on the plus strand (G>T on the coding strand, the complement: ABCG5 is on the minus strand). VCF-style: chr2-43838541-C-A. GRCh37 (hg19) VCF-style: chr2-44065680-C-A.
Other names: p.Val47Phe; short protein forms V47F.
Identifiers: ClinVar variation 895028 (VCV000895028.26), dbSNP rs72542426, ClinGen allele CA1636791.